The following is an entry in ClinVar:

ClinVar aggregate classification (germline): Likely benign. Review status: criteria provided, multiple submitters, no conflicts (2 of 4 stars). 4 submissions from 4 submitters: Likely benign (2). 2 of the submissions do not count toward it. Last evaluated 2026-01-21.

Conditions:
SGSH-related disorder. Also called: SGSH-related condition.
Mucopolysaccharidosis, MPS-III-A (MPS3A). Also called: MUCOPOLYSACCHARIDOSIS, TYPE IIIA, ATTENUATED; HEPARAN SULFATE SULFATASE DEFICIENCY; SANFILIPPO SYNDROME A; SULFAMIDASE DEFICIENCY; Mucopolysaccharidosis, type IIIA; MPS III A. Identifiers: Orphanet 581, Orphanet 79269, MedGen C0086647, MONDO:0009655, OMIM 252900.

Allele frequency attached by ClinVar (database versions not stated): ExAC 0.00018; gnomAD exomes 0.00017 and 0.00007; gnomAD 0.00030 and 0.00027; TOPMed 0.00042; ESP Exome Variant Server 0.00038.
gnomAD v4.1: 137 of 1,601,660 alleles (0.0086%); highest among the groups gnomAD compares: African/African-American, 0.1%; no homozygotes.

Submissions (4):

Labcorp Genetics (formerly Invitae), Labcorp
Classification: Likely benign for Mucopolysaccharidosis, MPS-III-A. Last evaluated: 2026-01-21. Review status: criteria provided, single submitter. Criteria: Invitae Variant Classification Sherloc (09022015). Collection method: clinical testing. Allele origin: germline.

Blueprint Genetics
Classification: Likely benign. Last evaluated: 2023-10-19. Review status: criteria provided, single submitter. Criteria: ACMG Guidelines, 2015. Collection method: clinical testing. Allele origin: germline.

Natera, Inc.
Classification: Uncertain significance for Mucopolysaccharidosis type IIIA. Last evaluated: 2020-01-24. Review status: no assertion criteria provided. Collection method: clinical testing. Allele origin: germline. Not counted in ClinVar's aggregate classification.

PreventionGenetics, part of Exact Sciences
Classification: Likely benign for SGSH-related condition. Last evaluated: 2019-08-13. Review status: no assertion criteria provided. Collection method: clinical testing. Allele origin: germline. Not counted in ClinVar's aggregate classification.
Comment: This variant is classified as likely benign based on ACMG/AMP sequence variant interpretation guidelines (Richards et al. 2015 PMID: 25741868, with internal and published modifications).

NM_000199.5(SGSH):c.999C>T (p.Tyr333=)

Gene: SGSH (N-sulfoglucosamine sulfohydrolase; minus strand). Cytogenetic location: 17q25.3.
Variant type: single nucleotide variant.
Coding change: c.999C>T on transcript NM_000199.5 (MANE Select); coding-DNA position 999, C replaced by T.
Protein change: p.Tyr333=; no amino-acid change (tyrosine 333 retained).
Molecular consequence: synonymous variant. On other transcripts: 3 prime UTR variant (2), non-coding transcript variant (1).
Genome position (GRCh38, 1-based): chr17:80,210,962, G>A on the plus strand (C>T on the coding strand, the complement: SGSH is on the minus strand). VCF-style: chr17-80210962-G-A. GRCh37 (hg19) VCF-style: chr17-78184761-G-A.
Other names: c.*86C>T (NM_001352921.3); c.*49C>T (NM_001352922.2).
Identifiers: ClinVar variation 750148 (VCV000750148.14), dbSNP rs149139346, ClinGen allele CA8817699.